The following is an entry in ClinVar:

ClinVar aggregate classification (germline): Benign. Review status: criteria provided, multiple submitters, no conflicts (2 of 4 stars). 13 submissions from 12 submitters: Benign (9). 4 of the submissions do not count toward it. Last evaluated 2026-02-03.

Conditions:
Hereditary spastic paraplegia 3A (SPG3A). Also called: SPASTIC PARAPLEGIA 3, AUTOSOMAL DOMINANT; FAMILIAL SPASTIC PARAPLEGIA, AUTOSOMAL DOMINANT, 1; SPG3; STRUMPELL DISEASE; Spastic Paraplegia 3A; Spastic paraplegia 3A, autosomal dominant. Identifiers: Orphanet 100984, MedGen C2931355, MONDO:0008437, OMIM 182600.
Hereditary spastic paraplegia. Also called: Familial spastic paraparesis. Identifiers: Orphanet 685, MedGen C0037773, MONDO:0019064. Disease mechanism: loss of function.
Neuropathy, hereditary sensory, type 1D. Identifiers: Orphanet 36386, MedGen C3150972, MONDO:0013381, OMIM 613708.

Allele frequency attached by ClinVar (database versions not stated): gnomAD exomes 0.13112 and 0.13462; ExAC 0.13591; 1000 Genomes Project 0.16414; 1000 Genomes Project 30x 0.16896; gnomAD 0.18173 and 0.18809; TOPMed 0.18664; ESP Exome Variant Server 0.20145.
gnomAD v4.1: 224,802 of 1,613,942 alleles (14%); highest among the groups gnomAD compares: African/African-American, 32%; 17,435 homozygotes.

Submissions (17):

Labcorp Genetics (formerly Invitae), Labcorp
Classification: Benign for Hereditary spastic paraplegia 3A. Last evaluated: 2026-02-03. Review status: criteria provided, single submitter. Criteria: Invitae Variant Classification Sherloc (09022015). Collection method: clinical testing. Allele origin: germline.

Genome-Nilou Lab
Classification: Benign for Neuropathy, hereditary sensory, type 1D. Last evaluated: 2021-12-05. Review status: criteria provided, single submitter. Criteria: ACMG Guidelines, 2015. Collection method: clinical testing. Allele origin: germline. Affected: no.

Genome-Nilou Lab
Classification: Benign for Hereditary spastic paraplegia 3A. Last evaluated: 2021-12-05. Review status: criteria provided, single submitter. Criteria: ACMG Guidelines, 2015. Collection method: clinical testing. Allele origin: germline. Affected: no.

Athena Diagnostics
Classification: Benign. Last evaluated: 2021-05-03. Review status: criteria provided, single submitter. Criteria: Athena Diagnostics Criteria. Collection method: clinical testing. Allele origin: unknown.

Illumina Laboratory Services, Illumina
Classification: Benign for Hereditary spastic paraplegia 3A. Last evaluated: 2018-01-12. Review status: criteria provided, single submitter. Criteria: ICSL Variant Classification Criteria 13 December 2019. Collection method: clinical testing. Allele origin: germline.
Comment: This variant was observed in the ICSL laboratory as part of a predisposition screen in an ostensibly healthy population. It had not been previously curated by ICSL or reported in the Human Gene Mutation Database (HGMD: prior to June 1st, 2018), and was therefore a candidate for classification through an automated scoring system. Utilizing variant allele frequency, disease prevalence and penetrance estimates, and inheritance mode, an automated score was calculated to assess if this variant is too frequent to cause the disease. Based on the score and internal cut-off values, a variant classified as benign is not then subjected to further curation. The score for this variant resulted in a classification of benign for this disease.

Genome Diagnostics Laboratory, The Hospital for Sick Children
Classification: Benign for Hereditary spastic paraplegia. Last evaluated: 2016-12-12. Review status: criteria provided, single submitter. Criteria: ACMG Guidelines, 2015. Collection method: clinical testing. Allele origin: germline. Affected: yes.

Mayo Clinic Laboratories, Mayo Clinic
Classification: Benign. Last evaluated: 2015-08-21. Review status: criteria provided, single submitter. Criteria: ACMG Guidelines, 2015. Collection method: clinical testing. Allele origin: germline. Observed: 529 variant alleles.

GeneDx
Classification: Benign. Last evaluated: 2013-12-30. Review status: criteria provided, single submitter. Criteria: GeneDx Variant Classification (06012015). Collection method: clinical testing. Allele origin: germline. Affected: yes.
Comment: This variant is considered likely benign or benign based on one or more of the following criteria: it is a conservative change, it occurs at a poorly conserved position in the protein, it is predicted to be benign by multiple in silico algorithms, and/or has population frequency not consistent with disease.

Breakthrough Genomics
Classification: Benign. Review status: criteria provided, single submitter. Criteria: ACMG Guidelines, 2015. Collection method: not provided. Allele origin: germline. Inheritance: Autosomal dominant inheritance. Affected: yes.

Clinical Genetics, Academic Medical Center
Classification: Benign. Review status: no assertion criteria provided. Collection method: clinical testing. Allele origin: germline. Affected: yes. Study: VKGL Data-share Consensus. Not counted in ClinVar's aggregate classification.

Dr. Peter K. Rogan Lab, Western University
No classification provided (evidence only). Condition: Colorectal cancer. Review status: no classification provided. Collection method: in vitro. Allele origin: not applicable. Functional consequence: retained intron. Not counted in ClinVar's aggregate classification.

Dr. Peter K. Rogan Lab, Western University
No classification provided (evidence only). Condition: Adrenocortical carcinoma, hereditary. Review status: no classification provided. Collection method: in vitro. Allele origin: not applicable. Functional consequence: retained intron. Not counted in ClinVar's aggregate classification.

Dr. Peter K. Rogan Lab, Western University
No classification provided (evidence only). Condition: Adrenocortical carcinoma, hereditary. Review status: no classification provided. Collection method: in vitro. Allele origin: not applicable. Functional consequence: retained intron. Not counted in ClinVar's aggregate classification.

Dr. Peter K. Rogan Lab, Western University
No classification provided (evidence only). Condition: Adrenocortical carcinoma, hereditary. Review status: no classification provided. Collection method: in vitro. Allele origin: not applicable. Functional consequence: retained intron. Not counted in ClinVar's aggregate classification.

GeneReviews
No classification provided. Condition: Hereditary spastic paraplegia 3A. Review status: no classification provided. Collection method: literature only. Allele origin: unknown. Not counted in ClinVar's aggregate classification.

Genetic Services Laboratory, University of Chicago
Classification: Likely benign for AllHighlyPenetrant. Review status: no assertion criteria provided. Collection method: clinical testing. Allele origin: germline. Inheritance: Autosomal dominant inheritance. Not counted in ClinVar's aggregate classification.
Comment: Likely benign based on allele frequency in 1000 Genomes Project or ESP global frequency and its presence in a patient with a rare or unrelated disease phenotype. NOT Sanger confirmed.

Joint Genome Diagnostic Labs from Nijmegen and Maastricht, Radboudumc and MUMC+
Classification: Benign. Review status: no assertion criteria provided. Collection method: clinical testing. Allele origin: germline. Affected: yes. Study: VKGL Data-share Consensus. Not counted in ClinVar's aggregate classification.

Literature cited by the submitters: PubMed 20862796 (cited by GeneReviews); NCBI Bookshelf NBK45978 (cited by GeneReviews).

NM_015915.5(ATL1):c.84A>G (p.Pro28=)

Gene: ATL1 (atlastin GTPase 1; plus strand). Cytogenetic location: 14q22.1.
Variant type: single nucleotide variant.
Coding change: c.84A>G on transcript NM_015915.5 (MANE Select); coding-DNA position 84, A replaced by G.
Protein change: p.Pro28=; no amino-acid change (proline 28 retained).
Molecular consequence: synonymous variant.
Genome position (GRCh38, 1-based): chr14:50,587,880, A>G. VCF-style: chr14-50587880-A-G. GRCh37 (hg19) VCF-style: chr14-51054598-A-G.
Other names: p.P28P:CCA>CCG; p.Pro28=; c.84A>G, p.Pro28= (NM_001127713.1, NM_181598.4).
Identifiers: ClinVar variation 21534 (VCV000021534.33), dbSNP rs35014209, ClinGen allele CA151914.